The following is an entry in ClinVar:

ClinVar aggregate classification (germline): Uncertain significance (1 of 4 stars; one submission).

Conditions:
Rhabdoid tumor predisposition syndrome 2 (RTPS2). Identifiers: Orphanet 231108, Orphanet 69077, MedGen C2750074, MONDO:0013224, OMIM 613325.

Submission:

Labcorp Genetics (formerly Invitae), Labcorp
Classification: Uncertain significance for Rhabdoid tumor predisposition syndrome 2. Last evaluated: 2023-04-04. Review status: criteria provided, single submitter. Criteria: Invitae Variant Classification Sherloc (09022015). Collection method: clinical testing. Allele origin: germline.
Comment: In summary, the available evidence is currently insufficient to determine the role of this variant in disease. Therefore, it has been classified as a Variant of Uncertain Significance. Advanced modeling of protein sequence and biophysical properties (such as structural, functional, and spatial information, amino acid conservation, physicochemical variation, residue mobility, and thermodynamic stability) performed at Invitae indicates that this missense variant is not expected to disrupt SMARCA4 protein function. ClinVar contains an entry for this variant (Variation ID: 1373463). This variant has not been reported in the literature in individuals affected with SMARCA4-related conditions. This variant is not present in population databases (gnomAD no frequency). This sequence change replaces aspartic acid, which is acidic and polar, with glutamic acid, which is acidic and polar, at codon 1257 of the SMARCA4 protein (p.Asp1257Glu).

NM_003072.5(SMARCA4):c.3771T>A (p.Asp1257Glu)

Gene: SMARCA4 (SWI/SNF related BAF chromatin remodeling complex subunit ATPase 4; plus strand). Cytogenetic location: 19p13.2.
Variant type: single nucleotide variant.
Coding change: c.3771T>A on transcript NM_003072.5 (MANE Select); coding-DNA position 3771, T replaced by A.
Protein change: p.Asp1257Glu; replaces aspartic acid 1257 with glutamic acid.
Molecular consequence: missense variant. On other transcripts: non-coding transcript variant (1).
Genome position (GRCh38, 1-based): chr19:11,033,514, T>A. VCF-style: chr19-11033514-T-A. GRCh37 (hg19) VCF-style: chr19-11144190-T-A.
Other names: c.3771T>A, p.Asp1257Glu (NM_001128844.3, NM_001128845.2, NM_001128846.2 and 5 more transcripts); short protein forms D1257E.
Identifiers: ClinVar variation 1373463 (VCV001373463.6), dbSNP rs2146655723, ClinGen allele CA404066245.